The following is an entry in ClinVar:

NM_014780.5(CUL7):c.3548G>T (p.Ser1183Ile)

Gene: CUL7 (cullin 7; minus strand). Cytogenetic location: 6p21.1.
Variant type: single nucleotide variant.
Coding change: c.3548G>T on transcript NM_014780.5 (MANE Select); coding-DNA position 3548, G replaced by T.
Protein change: p.Ser1183Ile; replaces serine 1183 with isoleucine.
Molecular consequence: missense variant.
Genome position (GRCh38, 1-based): chr6:43,042,899, C>A on the plus strand (G>T on the coding strand, the complement: CUL7 is on the minus strand). VCF-style: chr6-43042899-C-A. GRCh37 (hg19) VCF-style: chr6-43010637-C-A.
Other names: c.3644G>T, p.Ser1215Ile (NM_001168370.2, NM_001374872.1); c.3548G>T, p.Ser1183Ile (NM_001374873.1); c.3545G>T, p.Ser1182Ile (NM_001374874.1); c.3548G>T (NM_014780.4); short protein forms S1183I, S1182I, S1215I.
Identifiers: ClinVar variation 499910 (VCV000499910.10), dbSNP rs138726142, ClinGen allele CA3813451.

ClinVar aggregate classification (germline): Uncertain significance. Review status: criteria provided, multiple submitters, no conflicts (2 of 4 stars). 3 submissions from 3 submitters: Uncertain significance (3). Last evaluated 2025-02-01.

Conditions:
Inborn genetic diseases. Identifiers: MedGen C0950123, MeSH D030342.

Allele frequency attached by ClinVar (database versions not stated): ExAC 0.00004; gnomAD 0.00012 and 0.00013; TOPMed 0.00012; ESP Exome Variant Server 0.00015; 1000 Genomes Project 0.00020; 1000 Genomes Project 30x 0.00031.
gnomAD v4.1: 28 of 1,614,152 alleles (0.0017%); highest among the groups gnomAD compares: African/African-American, 0.033%; no homozygotes.

Submissions (3):

Ambry Genetics
Classification: Uncertain significance for Inborn genetic diseases. Last evaluated: 2025-02-01. Review status: criteria provided, single submitter. Criteria: Ambry Variant Classification Scheme 2023. Collection method: clinical testing. Allele origin: germline.

Labcorp Genetics (formerly Invitae), Labcorp
Classification: Uncertain significance. Last evaluated: 2022-01-03. Review status: criteria provided, single submitter. Criteria: Invitae Variant Classification Sherloc (09022015). Collection method: clinical testing. Allele origin: germline.
Comment: This sequence change replaces serine, which is neutral and polar, with isoleucine, which is neutral and non-polar, at codon 1183 of the CUL7 protein (p.Ser1183Ile). This variant is present in population databases (rs138726142, gnomAD 0.03%). This variant has not been reported in the literature in individuals affected with CUL7-related conditions. ClinVar contains an entry for this variant (Variation ID: 499910). Algorithms developed to predict the effect of missense changes on protein structure and function are either unavailable or do not agree on the potential impact of this missense change (SIFT: "Tolerated"; PolyPhen-2: "Probably Damaging"; Align-GVGD: "Class C0"). In summary, the available evidence is currently insufficient to determine the role of this variant in disease. Therefore, it has been classified as a Variant of Uncertain Significance.

Eurofins Ntd Llc (ga)
Classification: Uncertain significance. Last evaluated: 2017-01-26. Review status: criteria provided, single submitter. Criteria: EGL Classification Definitions 2015. Collection method: clinical testing. Allele origin: germline. Observed: 1 variant allele, 1 heterozygote.